The following is an entry in ClinVar:

ClinVar aggregate classification (germline): Uncertain significance. Review status: criteria provided, multiple submitters, no conflicts (2 of 4 stars). 2 submissions from 2 submitters: Uncertain significance (2). Last evaluated 2023-08-27.

Conditions:
Hereditary cancer-predisposing syndrome. Also called: Hereditary Cancer Syndrome; Hereditary neoplastic syndrome; Neoplastic Syndromes, Hereditary; Tumor predisposition. Identifiers: Orphanet 140162, MedGen C0027672, MeSH D009386, MONDO:0015356.
Fanconi anemia (FA). Also called: Fanconi's anemia. Identifiers: Orphanet 84, MedGen C0015625, MeSH D005199, MONDO:0019391.

Allele frequency attached by ClinVar (database versions not stated): gnomAD exomes below 0.00001; ExAC 0.00002; gnomAD 0.00002; TOPMed 0.00002.
gnomAD v4.1: 10 of 1,614,118 alleles (0.00062%); highest among the groups gnomAD compares: African/African-American, 0.0067%; no homozygotes.

Submissions (2):

Labcorp Genetics (formerly Invitae), Labcorp
Classification: Uncertain significance for Fanconi anemia. Last evaluated: 2023-08-27. Review status: criteria provided, single submitter. Criteria: Invitae Variant Classification Sherloc (09022015). Collection method: clinical testing. Allele origin: germline.
Comment: This sequence change replaces leucine, which is neutral and non-polar, with valine, which is neutral and non-polar, at codon 491 of the FANCC protein (p.Leu491Val). This variant is present in population databases (rs767996832, gnomAD 0.002%). This variant has not been reported in the literature in individuals affected with FANCC-related conditions. ClinVar contains an entry for this variant (Variation ID: 1773364). Advanced modeling of protein sequence and biophysical properties (such as structural, functional, and spatial information, amino acid conservation, physicochemical variation, residue mobility, and thermodynamic stability) performed at Invitae indicates that this missense variant is not expected to disrupt FANCC protein function. In summary, the available evidence is currently insufficient to determine the role of this variant in disease. Therefore, it has been classified as a Variant of Uncertain Significance.

Ambry Genetics
Classification: Uncertain significance for Hereditary cancer-predisposing syndrome. Last evaluated: 2021-11-01. Review status: criteria provided, single submitter. Criteria: Ambry Variant Classification Scheme 2023. Collection method: clinical testing. Allele origin: germline.
Comment: The p.L491V variant (also known as c.1471C>G), located in coding exon 13 of the FANCC gene, results from a C to G substitution at nucleotide position 1471. The leucine at codon 491 is replaced by valine, an amino acid with highly similar properties. This amino acid position is conserved. In addition, this alteration is predicted to be tolerated by in silico analysis. Since supporting evidence is limited at this time, the clinical significance of this alteration remains unclear.

NM_000136.3(FANCC):c.1471C>G (p.Leu491Val)

Genes: FANCC (FA complementation group C; minus strand), AOPEP (aminopeptidase O (putative); plus strand). Cytogenetic location: 9q22.32.
Variant type: single nucleotide variant.
Coding change: c.1471C>G on transcript NM_000136.3 (MANE Select); coding-DNA position 1471, C replaced by G.
Protein change: p.Leu491Val; replaces leucine 491 with valine.
Molecular consequence: missense variant.
Genome position (GRCh38, 1-based): chr9:95,107,128, G>C on the plus strand (C>G on the coding strand, the complement: FANCC is on the minus strand). VCF-style: chr9-95107128-G-C. GRCh37 (hg19) VCF-style: chr9-97869410-G-C.
Other names: c.1471C>G, p.Leu491Val (NM_001243743.2); short protein forms L491V.
Identifiers: ClinVar variation 1773364 (VCV001773364.5), dbSNP rs767996832, ClinGen allele CA5137327.